The following is an entry in ClinVar:

ClinVar aggregate classification (germline): Uncertain significance (1 of 4 stars; one submission).

Conditions:
Emery-Dreifuss muscular dystrophy 5, autosomal dominant (EDMD5). Also called: EMERY-DREIFUSS MUSCULAR DYSTROPHY 5. Identifiers: Orphanet 261, MedGen C2751805, MONDO:0013072, OMIM 612999.

Submission:

Labcorp Genetics (formerly Invitae), Labcorp
Classification: Uncertain significance for Emery-Dreifuss muscular dystrophy 5, autosomal dominant. Last evaluated: 2022-06-20. Review status: criteria provided, single submitter. Criteria: Invitae Variant Classification Sherloc (09022015). Collection method: clinical testing. Allele origin: germline.
Comment: In summary, the available evidence is currently insufficient to determine the role of this variant in disease. Therefore, it has been classified as a Variant of Uncertain Significance. Algorithms developed to predict the effect of sequence changes on RNA splicing suggest that this variant may disrupt the consensus splice site. Algorithms developed to predict the effect of missense changes on protein structure and function are either unavailable or do not agree on the potential impact of this missense change (SIFT: "Tolerated"; PolyPhen-2: "Possibly Damaging"; Align-GVGD: "Class C0"). This variant has not been reported in the literature in individuals affected with SYNE2-related conditions. This variant is not present in population databases (gnomAD no frequency). This sequence change replaces alanine, which is neutral and non-polar, with valine, which is neutral and non-polar, at codon 785 of the SYNE2 protein (p.Ala785Val).

NM_182914.3(SYNE2):c.2354C>T (p.Ala785Val)

Gene: SYNE2 (spectrin repeat containing nuclear envelope protein 2; plus strand). Cytogenetic location: 14q23.2.
Variant type: single nucleotide variant.
Coding change: c.2354C>T on transcript NM_182914.3 (MANE Select); coding-DNA position 2354, C replaced by T.
Protein change: p.Ala785Val; replaces alanine 785 with valine.
Molecular consequence: missense variant.
Genome position (GRCh38, 1-based): chr14:63,990,451, C>T. VCF-style: chr14-63990451-C-T. GRCh37 (hg19) VCF-style: chr14-64457169-C-T.
Other names: c.2354C>T, p.Ala785Val (NM_015180.6); short protein forms A785V.
Identifiers: ClinVar variation 1381652 (VCV001381652.8), dbSNP rs2153485003, ClinGen allele CA389973677.